The following is an entry in ClinVar:

ClinVar aggregate classification (germline): Likely benign (1 of 4 stars; one submission).

Submission:

GeneDx
Classification: Likely benign. Last evaluated: 2017-10-10. Review status: criteria provided, single submitter. Criteria: GeneDx Variant Classification (06012015). Collection method: clinical testing. Allele origin: germline. Affected: yes.
Comment: This variant is considered likely benign or benign based on one or more of the following criteria: it is a conservative change, it occurs at a poorly conserved position in the protein, it is predicted to be benign by multiple in silico algorithms, and/or has population frequency not consistent with disease.

NM_002635.4(SLC25A3):c.157+10G>A

Gene: SLC25A3 (solute carrier family 25 member 3; plus strand). Cytogenetic location: 12q23.1.
Variant type: single nucleotide variant.
Coding change: c.157+10G>A on transcript NM_002635.4 (MANE Select); 10 bases into the intron after coding-DNA position 157, G replaced by A.
Molecular consequence: intron variant.
Genome position (GRCh38, 1-based): chr12:98,594,145, G>A. VCF-style: chr12-98594145-G-A. GRCh37 (hg19) VCF-style: chr12-98987923-G-A.
Other names: c.157+10G>A (NM_213611.3, NM_005888.4).
Identifiers: ClinVar variation 512316 (VCV000512316.1), dbSNP rs1555208220, ClinGen allele CA386161828.
Genomic context (GRCh38, chr12:98,594,145, plus strand): 5'-CCACGGGCCAGCCCCGCCGCCCTCGCAACCTGGCAGCCGCCGCCGTGGAAGGTGAGATCA[G>A]ACCCTGCCCAATACAGTCGTGTGGTCTACTTGTGGGCCGCCCAGCCTTTGAGGCCTGGAC-3'